The following is an entry in ClinVar:

NM_018979.4(WNK1):c.6192G>C (p.Glu2064Asp)

Gene: WNK1 (WNK lysine deficient protein kinase 1; plus strand). Cytogenetic location: 12p13.33.
Variant type: single nucleotide variant.
Coding change: c.6192G>C on transcript NM_018979.4 (MANE Select); coding-DNA position 6192, G replaced by C.
Protein change: p.Glu2064Asp; replaces glutamic acid 2064 with aspartic acid.
Molecular consequence: missense variant.
Genome position (GRCh38, 1-based): chr12:896,679, G>C. VCF-style: chr12-896679-G-C. GRCh37 (hg19) VCF-style: chr12-1005845-G-C.
Other names: c.6972G>C, p.Glu2324Asp (NM_001184985.2); c.5448G>C, p.Glu1816Asp (NM_014823.3); c.6948G>C, p.Glu2316Asp (NM_213655.5); short protein forms E2324D, E1816D, E2064D, E2316D.
Identifiers: ClinVar variation 2154049 (VCV002154049.4), dbSNP rs768768919, ClinGen allele CA6383348.

ClinVar aggregate classification (germline): Uncertain significance (1 of 4 stars; one submission).

Conditions:
Neuropathy, hereditary sensory and autonomic, type 2A (HSAN2A). Also called: ACROOSTEOLYSIS, GIACCAI TYPE; ACROOSTEOLYSIS, NEUROGENIC; MORVAN DISEASE; NEUROPATHY, CONGENITAL SENSORY; NEUROPATHY, HEREDITARY SENSORY RADICULAR, AUTOSOMAL RECESSIVE; NEUROPATHY, HEREDITARY SENSORY, TYPE IIA. Identifiers: Orphanet 970, MedGen C2752089, MONDO:0024309, OMIM 201300.
Pseudohypoaldosteronism type 2C (PHA2C). Also called: Pseudohypoaldosteronism Type IIC. Identifiers: Orphanet 757, Orphanet 88940, MedGen C1840391, MONDO:0013778, OMIM 614492.

Allele frequency attached by ClinVar (database versions not stated): ExAC 0.00001; gnomAD 0.00001; TOPMed 0.00001.
gnomAD v4.1: 4 of 1,610,130 alleles (0.00025%); highest among the groups gnomAD compares: Admixed American, 0.0017%; no homozygotes.

Submission:

Labcorp Genetics (formerly Invitae), Labcorp
Classification: Uncertain significance for Neuropathy, hereditary sensory and autonomic, type 2A; Pseudohypoaldosteronism type 2C. Last evaluated: 2022-01-17. Review status: criteria provided, single submitter. Criteria: Invitae Variant Classification Sherloc (09022015). Collection method: clinical testing. Allele origin: germline.
Comment: In summary, the available evidence is currently insufficient to determine the role of this variant in disease. Therefore, it has been classified as a Variant of Uncertain Significance. Advanced modeling of protein sequence and biophysical properties (such as structural, functional, and spatial information, amino acid conservation, physicochemical variation, residue mobility, and thermodynamic stability) performed at Invitae indicates that this missense variant is not expected to disrupt WNK1 protein function. This variant has not been reported in the literature in individuals affected with WNK1-related conditions. This variant is present in population databases (rs768768919, gnomAD 0.002%). This sequence change replaces glutamic acid, which is acidic and polar, with aspartic acid, which is acidic and polar, at codon 2316 of the WNK1 protein (p.Glu2316Asp).